The following is an entry in ClinVar:

NM_152564.5(VPS13B):c.2567T>C (p.Val856Ala)

Gene: VPS13B (vacuolar protein sorting 13 homolog B; plus strand). Cytogenetic location: 8q22.2.
Variant type: single nucleotide variant.
Coding change: c.2567T>C on transcript NM_152564.5 (MANE Select); coding-DNA position 2567, T replaced by C.
Protein change: p.Val856Ala; replaces valine 856 with alanine.
Molecular consequence: missense variant.
Genome position (GRCh38, 1-based): chr8:99,274,249, T>C. VCF-style: chr8-99274249-T-C. GRCh37 (hg19) VCF-style: chr8-100286477-T-C.
Other names: c.2567T>C, p.Val856Ala (NM_017890.5); short protein forms V856A.
Identifiers: ClinVar variation 838815 (VCV000838815.7), dbSNP rs1588198594, ClinGen allele CA371862198.

ClinVar aggregate classification (germline): Uncertain significance (1 of 4 stars; one submission).

Conditions:
Cohen syndrome (COH1). Also called: Cutis verticis gyrata, retinitis pigmentosa, and sensorineural deafness; PEPPER SYNDROME. Identifiers: Orphanet 193, MedGen C0265223, MONDO:0008999, OMIM 216550.

Allele frequency attached by ClinVar (database versions not stated): gnomAD exomes below 0.00001.
gnomAD v4.1: 1 of 1,614,140 alleles (0.000062%); highest among the groups gnomAD compares: Non-Finnish European, 0.000085%; no homozygotes.

Submission:

Labcorp Genetics (formerly Invitae), Labcorp
Classification: Uncertain significance for Cohen syndrome. Last evaluated: 2020-11-26. Review status: criteria provided, single submitter. Criteria: Invitae Variant Classification Sherloc (09022015). Collection method: clinical testing. Allele origin: germline.
Comment: This sequence change replaces valine with alanine at codon 856 of the VPS13B protein (p.Val856Ala). The valine residue is weakly conserved and there is a small physicochemical difference between valine and alanine. In summary, the available evidence is currently insufficient to determine the role of this variant in disease. Therefore, it has been classified as a Variant of Uncertain Significance. Algorithms developed to predict the effect of missense changes on protein structure and function output the following: SIFT: "Deleterious"; PolyPhen-2: "Possibly Damaging"; Align-GVGD: "Class CO". The alanine amino acid residue is found in multiple mammalian species, suggesting that this missense change does not adversely affect protein function. These predictions have not been confirmed by published functional studies and their clinical significance is uncertain. This variant has not been reported in the literature in individuals with VPS13B-related conditions. This variant is not present in population databases (ExAC no frequency).